The following is an entry in ClinVar:

ClinVar aggregate classification (germline): Likely pathogenic (1 of 4 stars; one submission).

Conditions:
Nemaline myopathy 2 (NEM2). Also called: Nemaline myopathy 2, autosomal recessive. Identifiers: MedGen C1850569, MONDO:0009725, OMIM 256030.

Submission:

Myriad Genetics, Inc.
Classification: Likely pathogenic for Nemaline myopathy 2. Last evaluated: 2022-04-01. Review status: criteria provided, single submitter. Criteria: Myriad Women's Health Autosomal Recessive and X-Linked Classification Criteria (2021). Collection method: clinical testing. Allele origin: unknown.
Comment: NM_001271208.1(NEB):c.3178_3179delAG(S1060Qfs*5) is expected to be pathogenic in the context of NEB-related nemaline myopathy. This variant is predicted to lead to an abnormal or absent protein product due to the creation of a premature termination codon in NEB, a gene where loss-of-function variants are known to be pathogenic. Please note: this variant was assessed in the context of healthy population screening.

NM_001164508.2(NEB):c.3178_3179del (p.Ser1060fs)

Gene: NEB (nebulin; minus strand). Cytogenetic location: 2q23.3.
Variant type: Deletion.
Coding change: c.3178_3179del on transcript NM_001164508.2 (MANE Select); coding-DNA positions 3178 to 3179, 2 bases deleted (AG; older notation c.3178_3179delAG).
Protein change: p.Ser1060fs; shifts the reading frame from serine 1060.
Molecular consequence: frameshift variant.
Genome position (GRCh38, 1-based): chr2:151,679,797-151,679,798, CT deleted on the plus strand (AG on the coding strand, the reverse complement: NEB is on the minus strand); deleting any 2 consecutive bases within chr2:151,679,797-151,679,799 gives the same sequence; the c. name uses the placement nearest the transcript's 3' end. VCF-style (leftmost placement, unchanged base first): chr2-151679796-GCT-G. GRCh37 (hg19) VCF-style: chr2-152536310-GCT-G.
Other names: c.3178_3179del, p.Ser1060fs (NM_004543.5, NM_001164507.2, NM_001271208.2); short protein forms S1060fs.
Identifiers: ClinVar variation 1725788 (VCV001725788.2), dbSNP rs2552263448, ClinGen allele CA2580064021.